The following is an entry in ClinVar:

ClinVar aggregate classification (germline): Conflicting classifications of pathogenicity. Review status: criteria provided, conflicting classifications (1 of 4 stars). 2 submissions from 2 submitters: Uncertain significance (1); Likely benign (1). Last evaluated 2025-04-17.

Conditions:
Bethlem myopathy 2 (BTHLM2). Identifiers: Orphanet 536516, Orphanet 610, MedGen C4225313, MONDO:0034022, OMIM 616471.
Ullrich congenital muscular dystrophy 2 (UCMD2). Identifiers: Orphanet 75840, MedGen C4225314, MONDO:0014654, OMIM 616470.

Allele frequency attached by ClinVar (database versions not stated): ExAC 0.00002; gnomAD 0.00003; TOPMed 0.00002; gnomAD exomes 0.00001.
gnomAD v4.1: 18 of 1,600,320 alleles (0.0011%); highest among the groups gnomAD compares: Non-Finnish European, 0.000085%; no homozygotes.

Submissions (2):

Labcorp Genetics (formerly Invitae), Labcorp
Classification: Likely benign for Bethlem myopathy 2; Ullrich congenital muscular dystrophy 2. Last evaluated: 2025-04-17. Review status: criteria provided, single submitter. Criteria: Invitae Variant Classification Sherloc (09022015). Collection method: clinical testing. Allele origin: germline.

GeneDx
Classification: Uncertain significance. Last evaluated: 2025-02-13. Review status: criteria provided, single submitter. Criteria: GeneDx Variant Classification Process June 2021. Collection method: clinical testing. Allele origin: germline. Affected: yes.
Comment: Has not been previously published as pathogenic or benign to our knowledge; In silico analysis supports that this missense variant has a deleterious effect on protein structure/function

NM_004370.6(COL12A1):c.6332G>A (p.Gly2111Glu)

Gene: COL12A1 (collagen type XII alpha 1 chain; minus strand). Cytogenetic location: 6q13.
Variant type: single nucleotide variant.
Coding change: c.6332G>A on transcript NM_004370.6 (MANE Select); coding-DNA position 6332, G replaced by A.
Protein change: p.Gly2111Glu; replaces glycine 2111 with glutamic acid.
Molecular consequence: missense variant.
Genome position (GRCh38, 1-based): chr6:75,128,304, C>T on the plus strand (G>A on the coding strand, the complement: COL12A1 is on the minus strand). VCF-style: chr6-75128304-C-T. GRCh37 (hg19) VCF-style: chr6-75838020-C-T.
Other names: c.6332G>A (NM_004370.5); c.2840G>A, p.Gly947Glu (NM_080645.3); short protein forms G2111E, G947E.
Identifiers: ClinVar variation 1395351 (VCV001395351.7), dbSNP rs771019349, ClinGen allele CA3892841.
Genomic context (GRCh38, chr6:75,128,304, plus strand): 5'-ACATATTGACAATTTCAAAGCAAAAATAAAAGGGGGAGTACAAAACACTTACCAGTTCTT[C>T]CATTTCCTGTTAGATGGCCACCATCTCCATCTTCATAAACAGCAATAACAGTAATTTTAT-3'
Protein context (NP_004361.3, residues 2101-2121): DGDGGHLTGN[Gly2111Glu]RTVGLLPPQN